The following is an entry in ClinVar:

NM_005076.5(CNTN2):c.1018A>G (p.Ile340Val)

Gene: CNTN2 (contactin 2; plus strand). Cytogenetic location: 1q32.1.
Variant type: single nucleotide variant.
Coding change: c.1018A>G on transcript NM_005076.5 (MANE Select); coding-DNA position 1018, A replaced by G.
Protein change: p.Ile340Val; replaces isoleucine 340 with valine.
Molecular consequence: missense variant. On other transcripts: non-coding transcript variant (1).
Genome position (GRCh38, 1-based): chr1:205,061,909, A>G. VCF-style: chr1-205061909-A-G. GRCh37 (hg19) VCF-style: chr1-205031037-A-G.
Other names: c.1018A>G, p.Ile340Val (NM_001346083.2); short protein forms I340V.
Identifiers: ClinVar variation 1364261 (VCV001364261.8), dbSNP rs2151192340, ClinGen allele CA344410204.
Genomic context (GRCh38, chr1:205,061,909, plus strand): 5'-TTCCGGGCTCCCACAGCTCAGCCTGAGTGGCTAAAAGTGATCTCGGACACAGAGGCTGAC[A>G]TTGGCTCCAACCTGCGTTGGGGCTGTGCAGCCGCCGGCAAGCCCCGGCCTACAGTGCGCT-3'
Protein context (NP_005067.1, residues 330-350): LKVISDTEAD[Ile340Val]GSNLRWGCAA

ClinVar aggregate classification (germline): Uncertain significance (1 of 4 stars; one submission).

Conditions:
Epilepsy, familial adult myoclonic, 5 (EPEO5). Also called: CORTICAL MYOCLONIC TREMOR WITH EPILEPSY, FAMILIAL, 5. Identifiers: Orphanet 86814, MedGen C3809374, MONDO:0014167, OMIM 615400.

Submission:

Labcorp Genetics (formerly Invitae), Labcorp
Classification: Uncertain significance for Epilepsy, familial adult myoclonic, 5. Last evaluated: 2021-01-12. Review status: criteria provided, single submitter. Criteria: Invitae Variant Classification Sherloc (09022015). Collection method: clinical testing. Allele origin: germline.
Comment: Advanced modeling of protein sequence and biophysical properties (such as structural, functional, and spatial information, amino acid conservation, physicochemical variation, residue mobility, and thermodynamic stability) performed at Invitae indicates that this missense variant is not expected to disrupt CNTN2 protein function. In summary, the available evidence is currently insufficient to determine the role of this variant in disease. Therefore, it has been classified as a Variant of Uncertain Significance. This sequence change replaces isoleucine with valine at codon 340 of the CNTN2 protein (p.Ile340Val). The isoleucine residue is highly conserved and there is a small physicochemical difference between isoleucine and valine. This variant is not present in population databases (ExAC no frequency). This variant has not been reported in the literature in individuals with CNTN2-related conditions.